The following is an entry in ClinVar:

NM_032383.5(HPS3):c.2292+7C>T

Gene: HPS3 (HPS3 biogenesis of lysosomal organelles complex 2 subunit 1; plus strand). Cytogenetic location: 3q24.
Variant type: single nucleotide variant.
Coding change: c.2292+7C>T on transcript NM_032383.5 (MANE Select); 7 bases into the intron after coding-DNA position 2292, C replaced by T.
Molecular consequence: intron variant.
Genome position (GRCh38, 1-based): chr3:149,162,340, C>T. VCF-style: chr3-149162340-C-T. GRCh37 (hg19) VCF-style: chr3-148880127-C-T.
Other names: c.1797+7C>T (NM_001308258.2).
Identifiers: ClinVar variation 2628562 (VCV002628562.2), dbSNP rs1723945036, ClinGen allele CA1054797326.

ClinVar aggregate classification (germline): Conflicting classifications of pathogenicity. Review status: criteria provided, conflicting classifications (1 of 4 stars). 2 submissions from 2 submitters: Uncertain significance (1); Likely benign (1). Last evaluated 2025-06-08.

Conditions:
HPS3-related disorder. Also called: HPS3-related condition.

Allele frequency attached by ClinVar (database versions not stated): gnomAD 0.00001; TOPMed 0.00001.
gnomAD v4.1: 1 of 1,612,828 alleles (0.000062%); highest among the groups gnomAD compares: Non-Finnish European, 0.000085%; no homozygotes.

Submissions (2):

Labcorp Genetics (formerly Invitae), Labcorp
Classification: Likely benign. Last evaluated: 2025-06-08. Review status: criteria provided, single submitter. Criteria: Invitae Variant Classification Sherloc (09022015). Collection method: clinical testing. Allele origin: germline.

PreventionGenetics, part of Exact Sciences
Classification: Uncertain significance for HPS3-related condition. Last evaluated: 2023-04-10. Review status: criteria provided, single submitter. Criteria: ACMG Guidelines, 2015. Collection method: clinical testing. Allele origin: germline.
Comment: The HPS3 c.2292+7C>T variant is predicted to interfere with splicing. To our knowledge, this variant has not been reported in the literature or in a large population database, indicating this variant is rare. Although we suspect that this variant may be benign, at this time, the clinical significance of this variant is uncertain due to the absence of conclusive functional and genetic evidence.